The following is an entry in ClinVar:

NM_000478.6(ALPL):c.648+2dup

Gene: ALPL (alkaline phosphatase, biomineralization associated; plus strand). Cytogenetic location: 1p36.12.
Variant type: Duplication.
Coding change: c.648+2dup on transcript NM_000478.6 (MANE Select); the canonical splice donor site of the intron after coding-DNA position 648, one base duplicated (T; older notation c.648+2dupT).
Molecular consequence: splice donor variant.
Genome position (GRCh38, 1-based): chr1:21,564,218, T duplicated. VCF-style (leftmost placement, unchanged base first): chr1-21564217-G-GT. GRCh37 (hg19) VCF-style: chr1-21890710-G-GT.
Other names: c.483+2dup (NM_001127501.4); c.417+2dup (NM_001177520.3); c.648+2dup (NM_001369803.2, NM_001369805.2, NM_001369804.2).
Identifiers: ClinVar variation 4086825 (VCV004086825.1).
Genomic context (GRCh38, chr1:21,564,217, plus strand): 5'-TTGAGCCAGGGCTGTAAGGACATCGCCTACCAGCTCATGCATAACATCAGGGACATTGAC[G>GT]TGAGTGCTCGGGGGCAGCCGGGCAGGGACGGGGTGAGGCGGGGCCTCTGGTGGGCAGGAG-3'

ClinVar aggregate classification (germline): Uncertain significance (1 of 4 stars; one submission).

Conditions:
Hypophosphatasia. Also called: Phosphoethanol-aminuria. Identifiers: Orphanet 436, MedGen C0020630, MeSH D007014, MONDO:0018570.

Submission:

Genomenon, Inc
Classification: Uncertain significance for Hypophosphatasia. Last evaluated: 2025-08-29. Review status: criteria provided, single submitter. Criteria: Genomenon Sequence Variant Interpretation Standards. Collection method: curation. Allele origin: germline. Affected: yes.
Comment: ALPL c.648+2dup is a variant in the canonical splice donor region of intron 6. This variant has been observed in at least one proband affected with hypophosphatasia (PMID:27777120). It is absent or not present at a significant frequency in gnomAD. In silico models predict that this variant weakens the native splice donor site; however, the effect of this variant on splicing is unknown. In conclusion, we classify ALPL c.648+2dup as a variant of unknown significance.

Literature cited by the submitters: PubMed 27777120.